The following is an entry in ClinVar:

ClinVar aggregate classification (germline): Uncertain significance (1 of 4 stars; one submission).

Allele frequency attached by ClinVar (database versions not stated): ExAC 0.00002; TOPMed 0.00002; gnomAD 0.00003.
gnomAD v4.1: 28 of 1,599,094 alleles (0.0018%); highest among the groups gnomAD compares: Non-Finnish European, 0.0023%; no homozygotes.

Submissions (2):

Labcorp Genetics (formerly Invitae), Labcorp
Classification: Uncertain significance. Last evaluated: 2023-12-02. Review status: criteria provided, single submitter. Criteria: Invitae Variant Classification Sherloc (09022015). Collection method: clinical testing. Allele origin: germline.
Comment: This sequence change replaces serine, which is neutral and polar, with glycine, which is neutral and non-polar, at codon 1810 of the MPDZ protein (p.Ser1810Gly). The frequency data for this variant in the population databases is considered unreliable, as metrics indicate poor data quality at this position in the gnomAD database. This variant has not been reported in the literature in individuals affected with MPDZ-related conditions. Algorithms developed to predict the effect of missense changes on protein structure and function output the following: SIFT: "Not Available"; PolyPhen-2: "Benign"; Align-GVGD: "Not Available". The glycine amino acid residue is found in multiple mammalian species, which suggests that this missense change does not adversely affect protein function. In summary, the available evidence is currently insufficient to determine the role of this variant in disease. Therefore, it has been classified as a Variant of Uncertain Significance.

Dr. Peter K. Rogan Lab, Western University
No classification provided (evidence only). Condition: Thyroid cancer, nonmedullary, 1. Review status: no classification provided. Collection method: in vitro. Allele origin: not applicable. Functional consequence: retained intron. Not counted in ClinVar's aggregate classification.

NM_001378778.1(MPDZ):c.5515A>G (p.Ser1839Gly)

Gene: MPDZ (multiple PDZ domain crumbs cell polarity complex component; minus strand). Cytogenetic location: 9p23.
Variant type: single nucleotide variant.
Coding change: c.5515A>G on transcript NM_001378778.1 (MANE Select); coding-DNA position 5515, A replaced by G.
Protein change: p.Ser1839Gly; replaces serine 1839 with glycine.
Molecular consequence: missense variant.
Genome position (GRCh38, 1-based): chr9:13,113,973, T>C on the plus strand (A>G on the coding strand, the complement: MPDZ is on the minus strand). VCF-style: chr9-13113973-T-C. GRCh37 (hg19) VCF-style: chr9-13113972-T-C.
Other names: c.5416A>G, p.Ser1806Gly (NM_001261406.2, NM_001375416.1, NM_001375417.1 and 1 more transcripts); c.5329A>G, p.Ser1777Gly (NM_001261407.2, NM_001375419.1); c.5515A>G, p.Ser1839Gly (NM_001330637.2); c.5614A>G, p.Ser1872Gly (NM_001375413.1); c.5107A>G, p.Ser1703Gly (NM_001375427.1); c.5428A>G, p.Ser1810Gly (NM_003829.5); c.5305A>G, p.Ser1769Gly (NM_001375420.1, NM_001375421.1, NM_001375422.1 and 2 more transcripts); c.5218A>G, p.Ser1740Gly (NM_001375425.1, NM_001375426.1); short protein forms S1769G, S1806G, S1740G, S1777G, S1872G, S1703G, S1810G, S1839G.
Identifiers: ClinVar variation 2875507 (VCV002875507.3), dbSNP rs756371450, ClinGen allele CA4986237.